The following is an entry in ClinVar:

ClinVar aggregate classification (germline): Benign/Likely benign. Review status: criteria provided, multiple submitters, no conflicts (2 of 4 stars). 3 submissions from 3 submitters: Benign (1); Likely benign (2). Last evaluated 2025-01-31.

Conditions:
Hereditary nonpolyposis colorectal neoplasms. Identifiers: MedGen C0009405, MeSH D003123.
Hereditary cancer-predisposing syndrome. Also called: Tumor predisposition; Hereditary neoplastic syndrome; Neoplastic Syndromes, Hereditary; Hereditary Cancer Syndrome. Identifiers: Orphanet 140162, MedGen C0027672, MeSH D009386, MONDO:0015356.
Lynch syndrome 4 (LYNCH4). Also called: Hereditary non-polyposis colorectal cancer, type 4; Colorectal cancer, hereditary nonpolyposis, type 4. Identifiers: Orphanet 144, MedGen C1838333, MONDO:0013699, OMIM 614337. Disease mechanism: loss of function.

Submissions (3):

Myriad Genetics, Inc.
Classification: Benign for Lynch syndrome 4. Last evaluated: 2025-01-31. Review status: criteria provided, single submitter. Criteria: Myriad Autosomal Dominant, Autosomal Recessive and X-Linked Classification Criteria (2023). Collection method: clinical testing. Allele origin: unknown.
Comment: This variant is considered benign. This variant is a silent/synonymous amino acid change and it is not expected to impact splicing.

Ambry Genetics
Classification: Likely benign for Hereditary cancer-predisposing syndrome. Last evaluated: 2024-05-17. Review status: criteria provided, single submitter. Criteria: Ambry Variant Classification Scheme 2023. Collection method: clinical testing. Allele origin: germline.

Labcorp Genetics (formerly Invitae), Labcorp
Classification: Likely benign for Hereditary nonpolyposis colorectal neoplasms. Last evaluated: 2022-02-09. Review status: criteria provided, single submitter. Criteria: Invitae Variant Classification Sherloc (09022015). Collection method: clinical testing. Allele origin: germline.

NM_000535.7(PMS2):c.1869T>C (p.Ser623=)

Gene: PMS2 (PMS1 homolog 2, mismatch repair system component; minus strand). Cytogenetic location: 7p22.1.
Variant type: single nucleotide variant.
Coding change: c.1869T>C on transcript NM_000535.7 (MANE Select); coding-DNA position 1869, T replaced by C.
Protein change: p.Ser623=; no amino-acid change (serine 623 retained).
Molecular consequence: synonymous variant. On other transcripts: non-coding transcript variant (1).
Genome position (GRCh38, 1-based): chr7:5,986,896, A>G on the plus strand (T>C on the coding strand, the complement: PMS2 is on the minus strand). VCF-style: chr7-5986896-A-G. GRCh37 (hg19) VCF-style: chr7-6026527-A-G.
Other names: c.1464T>C, p.Ser488= (NM_001322003.2, NM_001322004.2, NM_001322005.2 and 1 more transcripts); c.1713T>C, p.Ser571= (NM_001322006.2); c.1551T>C, p.Ser517= (NM_001322007.2, NM_001322008.2); c.1308T>C, p.Ser436= (NM_001322010.2); c.936T>C, p.Ser312= (NM_001322011.2, NM_001322012.2); c.1296T>C, p.Ser432= (NM_001322013.2); c.1869T>C, p.Ser623= (NM_001322014.2); c.1560T>C, p.Ser520= (NM_001322015.2).
Identifiers: ClinVar variation 748716 (VCV000748716.11), dbSNP rs1583314396, ClinGen allele CA453745752.
Genomic context (GRCh38, chr7:5,986,896, plus strand): 5'-CTGTTCCCCTTCACTTTGCTGTGCTTCATGATGTAACTGCTTTATTCGTTTAGCTAAAGA[A>G]CTCATAGAAAAGTCCAGGGGCACAACTTTCTTATTAATTTTCACAGCTACATCAACCTGA-3'
Protein context (NP_000526.2, residues 613-633): KKVVPLDFSM[Ser623=]SLAKRIKQLH